The following is an entry in ClinVar:

ClinVar aggregate classification (germline): Uncertain significance (1 of 4 stars; one submission).

Submission:

GeneDx
Classification: Uncertain significance. Last evaluated: 2025-07-10. Review status: criteria provided, single submitter. Criteria: GeneDx Variant Classification Process June 2021. Collection method: clinical testing. Allele origin: germline. Affected: yes.
Comment: Not observed at significant frequency in large population cohorts (gnomAD); In silico analysis supports that this missense variant has a deleterious effect on protein structure/function; Has not been previously published as pathogenic or benign to our knowledge; Also known as p.(K2730M)

NM_000384.3(APOB):c.8270A>T (p.Lys2757Met)

Gene: APOB (apolipoprotein B; minus strand). Cytogenetic location: 2p24.1.
Variant type: single nucleotide variant.
Coding change: c.8270A>T on transcript NM_000384.3 (MANE Select); coding-DNA position 8270, A replaced by T.
Protein change: p.Lys2757Met; replaces lysine 2757 with methionine.
Molecular consequence: missense variant.
Genome position (GRCh38, 1-based): chr2:21,008,598, T>A on the plus strand (A>T on the coding strand, the complement: APOB is on the minus strand). VCF-style: chr2-21008598-T-A. GRCh37 (hg19) VCF-style: chr2-21231470-T-A.
Other names: short protein forms K2757M.
Identifiers: ClinVar variation 4685422 (VCV004685422.1).